The following is an entry in ClinVar:

NM_001172509.2(SATB2):c.1195C>G (p.Arg399Gly)

Gene: SATB2 (SATB homeobox 2; minus strand). Cytogenetic location: 2q33.1.
Variant type: single nucleotide variant.
Coding change: c.1195C>G on transcript NM_001172509.2 (MANE Select); coding-DNA position 1195, C replaced by G.
Protein change: p.Arg399Gly; replaces arginine 399 with glycine.
Molecular consequence: missense variant.
Genome position (GRCh38, 1-based): chr2:199,328,889, G>C on the plus strand (C>G on the coding strand, the complement: SATB2 is on the minus strand). VCF-style: chr2-199328889-G-C. GRCh37 (hg19) VCF-style: chr2-200193612-G-C.
Other names: c.1195C>G, p.Arg399Gly (NM_001172517.1, NM_015265.4); short protein forms R399G.
Identifiers: ClinVar variation 3391746 (VCV003391746.1).

ClinVar aggregate classification (germline): Pathogenic (1 of 4 stars; one submission).

Submission:

GeneDx
Classification: Pathogenic. Last evaluated: 2024-06-18. Review status: criteria provided, single submitter. Criteria: GeneDx Variant Classification Process June 2021. Collection method: clinical testing. Allele origin: germline. Affected: yes.
Comment: Observed as apparently de novo variant in individual with autism; however no further clinical information was provided (PMID: 35982160); Not observed at significant frequency in large population cohorts (gnomAD); In silico analysis supports that this missense variant has a deleterious effect on protein structure/function; This variant is associated with the following publications: (PMID: 35982160, 35982159)